The following is an entry in ClinVar:

ClinVar aggregate classification (germline): Uncertain significance. Review status: criteria provided, multiple submitters, no conflicts (2 of 4 stars). 3 submissions from 3 submitters: Uncertain significance (3). Last evaluated 2024-12-14.

Conditions:
Wilms tumor 1 (WT1). Also called: Wilms tumor, somatic. Identifiers: Orphanet 654, MedGen CN033288, MONDO:0008679, OMIM 194070.
Drash syndrome (DDS). Also called: NEPHROPATHY, WILMS TUMOR, AND GENITAL ANOMALIES; WILMS TUMOR AND PSEUDO- OR TRUE HERMAPHRODITISM. Identifiers: Orphanet 220, MedGen C0950121, MONDO:0008682, OMIM 194080.
11p partial monosomy syndrome (WAGR). Also called: WAGR Spectrum Disorder; CHROMOSOME 11p13 DELETION SYNDROME; WAGR syndrome; WAGR Complex. Identifiers: Orphanet 893, MedGen C0206115, MONDO:0008681, OMIM 194072.
Frasier syndrome. Identifiers: Orphanet 347, MedGen C0950122, MeSH D052159, MONDO:0007635, OMIM 136680.
Inborn genetic diseases. Identifiers: MedGen C0950123, MeSH D030342.

Submissions (3):

Ambry Genetics
Classification: Uncertain significance for Inborn genetic diseases. Last evaluated: 2024-12-14. Review status: criteria provided, single submitter. Criteria: Ambry Variant Classification Scheme 2023. Collection method: clinical testing. Allele origin: germline.
Comment: The p.P125S variant (also known as c.373C>T), located in coding exon 1 of the WT1 gene, results from a C to T substitution at nucleotide position 373. The proline at codon 125 is replaced by serine, an amino acid with similar properties. This amino acid position is conserved. In addition, this alteration is predicted to be tolerated by in silico analysis. Based on the available evidence, the clinical significance of this variant remains unclear.

All of Us Research Program, National Institutes of Health
Classification: Uncertain significance for Wilms tumor 1. Last evaluated: 2024-05-30. Review status: criteria provided, single submitter. Criteria: ACMG Guidelines, 2015. Collection method: clinical testing. Allele origin: germline. Inheritance: Autosomal dominant inheritance. Observed: 1 variant allele, 1 heterozygote.
Comment: This missense variant replaces proline with serine at codon 125 of the WT1 protein. Computational prediction suggests that this variant may not impact protein structure and function. To our knowledge, functional studies have not been reported for this variant. This variant has not been reported in individuals affected with WT1-related disorders in the literature. This variant has not been identified in the general population by the Genome Aggregation Database (gnomAD). The available evidence is insufficient to determine the role of this variant in disease conclusively. Therefore, this variant is classified as a Variant of Uncertain Significance.

This study involves interpretation of variants in research participants for the purpose of population health screening. Participant phenotype was not available at the time of variant classification. Additional details can be found in publication PMID: 35346344, PMCID: PMC8962531

Labcorp Genetics (formerly Invitae), Labcorp
Classification: Uncertain significance for Wilms tumor 1; Drash syndrome; 11p partial monosomy syndrome; Frasier syndrome. Last evaluated: 2023-09-15. Review status: criteria provided, single submitter. Criteria: Invitae Variant Classification Sherloc (09022015). Collection method: clinical testing. Allele origin: germline.
Comment: In summary, the available evidence is currently insufficient to determine the role of this variant in disease. Therefore, it has been classified as a Variant of Uncertain Significance. An algorithm developed to predict the effect of missense changes on protein structure and function (PolyPhen-2) suggests that this variant is likely to be disruptive. ClinVar contains an entry for this variant (Variation ID: 476702). This variant has not been reported in the literature in individuals affected with WT1-related conditions. This variant is not present in population databases (gnomAD no frequency). This sequence change replaces proline, which is neutral and non-polar, with serine, which is neutral and polar, at codon 125 of the WT1 protein (p.Pro125Ser).

NM_024426.6(WT1):c.388C>T (p.Pro130Ser)

Genes: WT1 (WT1 transcription factor; minus strand), LOC107982234 (WT1/WT1-AS bi-directional promoter region; plus strand). Cytogenetic location: 11p13.
Variant type: single nucleotide variant.
Coding change: c.388C>T on transcript NM_024426.6 (MANE Select); coding-DNA position 388, C replaced by T.
Protein change: p.Pro130Ser; replaces proline 130 with serine.
Molecular consequence: missense variant. On other transcripts: non-coding transcript variant (1).
Genome position (GRCh38, 1-based): chr11:32,434,973, G>A on the plus strand (C>T on the coding strand, the complement: WT1 is on the minus strand). VCF-style: chr11-32434973-G-A. GRCh37 (hg19) VCF-style: chr11-32456519-G-A.
Other names: c.388C>T, p.Pro130Ser (NM_000378.6, NM_024424.5); short protein forms P130S.
Identifiers: ClinVar variation 476702 (VCV000476702.14), dbSNP rs1554946573, ClinGen allele CA379965797.